The following is an entry in ClinVar:

NM_001366145.2(TRPM3):c.4505C>T (p.Pro1502Leu)

Genes: KLF9-DT (KLF9 divergent transcript; plus strand), TRPM3 (transient receptor potential cation channel subfamily M member 3; minus strand). Cytogenetic location: 9q21.12.
Variant type: single nucleotide variant.
Coding change: c.4505C>T on transcript NM_001366145.2 (MANE Select); coding-DNA position 4505, C replaced by T.
Protein change: p.Pro1502Leu; replaces proline 1502 with leucine.
Molecular consequence: missense variant. On other transcripts: intron variant (8).
Genome position (GRCh38, 1-based): chr9:70,536,608, G>A on the plus strand (C>T on the coding strand, the complement: TRPM3 is on the minus strand). VCF-style: chr9-70536608-G-A. GRCh37 (hg19) VCF-style: chr9-73151524-G-A.
Other names: c.4469C>T, p.Pro1490Leu (NM_001007471.4); c.4475C>T, p.Pro1492Leu (NM_001366141.2, NM_001366149.2); c.4580C>T, p.Pro1527Leu (NM_001366147.2); c.4010C>T, p.Pro1337Leu (NM_020952.6); c.4046C>T, p.Pro1349Leu (NM_024971.7); c.3980C>T, p.Pro1327Leu (NM_206944.5); c.4016C>T, p.Pro1339Leu (NM_206945.5); c.4085C>T, p.Pro1362Leu (NM_206946.5); and 9 more; short protein forms P1327L, P1337L, P1339L, P1349L, P1352L, P1362L, P1490L, P1492L.
Identifiers: ClinVar variation 4540053 (VCV004540053.1).

ClinVar aggregate classification (germline): Uncertain significance (1 of 4 stars; one submission).

Submission:

GeneDx
Classification: Uncertain significance. Last evaluated: 2025-06-18. Review status: criteria provided, single submitter. Criteria: GeneDx Variant Classification Process June 2021. Collection method: clinical testing. Allele origin: germline. Affected: yes.
Comment: Not observed at significant frequency in large population cohorts (gnomAD); In silico analysis supports that this missense variant has a deleterious effect on protein structure/function; Has not been previously published as pathogenic or benign to our knowledge